The following is an entry in ClinVar:

ClinVar aggregate classification (germline): Uncertain significance (1 of 4 stars; one submission).

Allele frequency attached by ClinVar (database versions not stated): gnomAD exomes below 0.00001; gnomAD 0.00001; TOPMed 0.00001.

Submission:

Labcorp Genetics (formerly Invitae), Labcorp
Classification: Uncertain significance. Last evaluated: 2022-08-09. Review status: criteria provided, single submitter. Criteria: Invitae Variant Classification Sherloc (09022015). Collection method: clinical testing. Allele origin: germline.
Comment: Experimental studies and prediction algorithms are not available or were not evaluated, and the functional significance of this variant is currently unknown. In summary, the available evidence is currently insufficient to determine the role of this variant in disease. Therefore, it has been classified as a Variant of Uncertain Significance. This variant has not been reported in the literature in individuals affected with TRPM1-related conditions. This variant is not present in population databases (gnomAD no frequency). This sequence change creates a premature translational stop signal (p.Tyr1487Serfs*37) in the TRPM1 gene. While this is not anticipated to result in nonsense mediated decay, it is expected to disrupt the last 117 amino acid(s) of the TRPM1 protein.

NM_001252024.2(TRPM1):c.4526del (p.Tyr1509fs)

Gene: TRPM1 (transient receptor potential cation channel subfamily M member 1; minus strand). Cytogenetic location: 15q13.3.
Variant type: Deletion.
Coding change: c.4526del on transcript NM_001252024.2 (MANE Select); coding-DNA position 4526, one base deleted (A; older notation c.4526delA).
Protein change: p.Tyr1509fs; shifts the reading frame from tyrosine 1509.
Molecular consequence: frameshift variant.
Genome position (GRCh38, 1-based): chr15:31,002,174, T deleted on the plus strand (A on the coding strand, the reverse complement: TRPM1 is on the minus strand). VCF-style (leftmost placement, unchanged base first): chr15-31002173-GT-G. GRCh37 (hg19) VCF-style: chr15-31294376-GT-G.
Other names: c.4577del, p.Tyr1526fs (NM_001252020.2); c.4460del, p.Tyr1487fs (NM_002420.6); short protein forms Y1509fs, Y1487fs, Y1526fs.
Identifiers: ClinVar variation 1931325 (VCV001931325.5), dbSNP rs1247544988, ClinGen allele CA712001844.